The following is an entry in ClinVar:

NM_172232.4(ABCA5):c.2167_2168del (p.Leu723fs)

Gene: ABCA5 (ATP binding cassette subfamily A member 5; minus strand). Cytogenetic location: 17q24.3.
Variant type: Microsatellite.
Coding change: c.2167_2168del on transcript NM_172232.4 (MANE Select); coding-DNA positions 2167 to 2168, 2 bases deleted (CT; older notation c.2167_2168delCT).
Protein change: p.Leu723fs; shifts the reading frame from leucine 723.
Molecular consequence: frameshift variant.
Genome position (GRCh38, 1-based): chr17:69,286,002-69,286,003, AG deleted on the plus strand (CT on the coding strand, the reverse complement: ABCA5 is on the minus strand); deleting any 2 consecutive bases within chr17:69,286,002-69,286,006 gives the same sequence; the c. name uses the placement nearest the transcript's 3' end. VCF-style (leftmost placement, unchanged base first): chr17-69286001-AAG-A. GRCh37 (hg19) VCF-style: chr17-67282142-AAG-A.
Other names: c.2167_2168del, p.Leu723fs (NM_018672.5); short protein forms L723fs.
Identifiers: ClinVar variation 1690962 (VCV001690962.2), dbSNP rs2144972355, ClinGen allele CA2580613243.

ClinVar aggregate classification (germline): Likely pathogenic (1 of 4 stars; one submission).

Submission:

Laboratorio de Genetica e Diagnostico Molecular, Hospital Israelita Albert Einstein
Classification: Likely pathogenic. Last evaluated: 2020-11-13. Review status: criteria provided, single submitter. Criteria: ACMG Guidelines, 2015. Collection method: clinical testing. Allele origin: germline. Affected: yes.
Comment: ACMG classification criteria: PVS1, PM2